The following is an entry in ClinVar:

NM_001165963.4(SCN1A):c.997G>A (p.Ala333Thr)

Gene: SCN1A (sodium voltage-gated channel alpha subunit 1; minus strand). Cytogenetic location: 2q24.3.
Variant type: single nucleotide variant.
Coding change: c.997G>A on transcript NM_001165963.4 (MANE Select); coding-DNA position 997, G replaced by A.
Protein change: p.Ala333Thr; replaces alanine 333 with threonine.
Molecular consequence: missense variant. On other transcripts: 5 prime UTR variant (1), non-coding transcript variant (1).
Genome position (GRCh38, 1-based): chr2:166,048,917, C>T on the plus strand (G>A on the coding strand, the complement: SCN1A is on the minus strand). VCF-style: chr2-166048917-C-T. GRCh37 (hg19) VCF-style: chr2-166905427-C-T.
Other names: c.997G>A, p.Ala333Thr (NM_001165964.3, NM_001202435.3, NM_001353948.2 and 10 more transcripts); c.-1429G>A (NM_001353961.2); short protein forms A333T.
Identifiers: ClinVar variation 1066349 (VCV001066349.10), dbSNP rs2105874284, ClinGen allele CA349071642.
Genomic context (GRCh38, chr2:166,048,917, plus strand): 5'-ACACAGATACACACAAATTATTGACTTACCCTGCATCAGAGCTATTTCCACATAGTAGTG[C>T]ATCTAAAAAACCCTCCAGGAAATAATGATATCCTGTTTGAAAAAAGAAAGTCGTATGATG-3'
Protein context (NP_001159435.1, residues 323-343): YHYFLEGFLD[Ala333Thr]LLCGNSSDAG

ClinVar aggregate classification (germline): Likely pathogenic (1 of 4 stars; one submission).

Conditions:
Early-infantile DEE. Also called: Ohtahara syndrome; Early infantile epileptic encephalopathy with suppression bursts; Early infantile epileptic encephalopathy. Identifiers: Orphanet 1934, MedGen C0393706, MONDO:0800491.

Submission:

Labcorp Genetics (formerly Invitae), Labcorp
Classification: Likely pathogenic for Early-infantile DEE. Last evaluated: 2020-03-05. Review status: criteria provided, single submitter. Criteria: Invitae Variant Classification Sherloc (09022015). Collection method: clinical testing. Allele origin: germline.
Comment: In summary, the currently available evidence indicates that the variant is pathogenic, but additional data are needed to prove that conclusively. Therefore, this variant has been classified as Likely Pathogenic. Algorithms developed to predict the effect of missense changes on protein structure and function (SIFT, PolyPhen-2, Align-GVGD) all suggest that this variant is likely to be disruptive, but these predictions have not been confirmed by published functional studies and their clinical significance is uncertain. This variant has been observed in individual(s) with clinical features of SCN1A-related conditions (Invitae). In at least one individual the variant was observed to be de novo. This variant is not present in population databases (ExAC no frequency). This sequence change replaces alanine with threonine at codon 333 of the SCN1A protein (p.Ala333Thr). The alanine residue is highly conserved and there is a small physicochemical difference between alanine and threonine.